The following is an entry in ClinVar:

ClinVar aggregate classification (germline): Conflicting classifications of pathogenicity. Review status: criteria provided, conflicting classifications (1 of 4 stars). 11 submissions from 11 submitters: Pathogenic (2); Likely pathogenic (6); Uncertain significance (2). 1 of the submissions does not count toward it. Last evaluated 2025-07-29.

Conditions:
GCDH-related disorder. Also called: GCDH-related condition.
Glutaric aciduria, type 1. Also called: Glutaricacidemia Type 1; Glutaryl-CoA dehydrogenase deficiency; Glutaricaciduria, type I; GA I; Glutaric Acidemia Type 1; Glutaric acidemia type I. Identifiers: Orphanet 25, MedGen C0268595, MONDO:0009281, OMIM 231670.
Abnormality of metabolism/homeostasis. Identifiers: MedGen C4021768, HP:0001939.

Allele frequency attached by ClinVar (database versions not stated): gnomAD 0.00001; gnomAD exomes 0.00001 and 0.00002; TOPMed 0.00001; ExAC 0.00002.

Submissions (11):

Natera, Inc.
Classification: Likely pathogenic for Glutaric acidemia type 1. Last evaluated: 2025-07-29. Review status: criteria provided, single submitter. Criteria: Natera Variant Classification Schema (03/2026). Collection method: clinical testing. Allele origin: germline.
Comment: The c.368A>G variant in GCDH is a missense variant predicted to cause substitution of tyrosine to cysteine at amino acid 123. This variant is rare in the general population with a frequency below the threshold expected for the associated phenotype(s). This variant has been observed in one or more individuals affected with the associated recessive disease, as either homozygous or compound heterozygous with a second variant (PMID: 31319225). Computational prediction algorithms indicate this variant is likely to affect gene or protein function. Given the available evidence, this variant is classified as Likely Pathogenic.

North West Genomic Laboratory Hub, Manchester University NHS Foundation Trust
Classification: Likely pathogenic for Glutaric aciduria, type 1. Last evaluated: 2025-04-30. Review status: criteria provided, single submitter. Criteria: ACGS Best Practice Guidelines for Variant Classification in Rare Disease 2024. Collection method: clinical testing. Allele origin: germline. Affected: yes.
Comment: PP3_Supp PM2_Mod PM3_Str PM5_Supp

Fulgent Genetics
Classification: Likely pathogenic for Glutaric aciduria, type 1. Last evaluated: 2024-04-13. Review status: criteria provided, single submitter. Criteria: ACMG Guidelines, 2015. Collection method: clinical testing. Allele origin: germline.

Labcorp Genetics (formerly Invitae), Labcorp
Classification: Pathogenic for Glutaric aciduria, type 1. Last evaluated: 2024-03-27. Review status: criteria provided, single submitter. Criteria: Invitae Variant Classification Sherloc (09022015). Collection method: clinical testing. Allele origin: germline.
Comment: This sequence change replaces tyrosine, which is neutral and polar, with cysteine, which is neutral and slightly polar, at codon 123 of the GCDH protein (p.Tyr123Cys). This variant is present in population databases (rs780976048, gnomAD 0.004%). This missense change has been observed in individual(s) with glutaric acidemia type I (PMID: 31319225; Invitae). ClinVar contains an entry for this variant (Variation ID: 635300). Advanced modeling of protein sequence and biophysical properties (such as structural, functional, and spatial information, amino acid conservation, physicochemical variation, residue mobility, and thermodynamic stability) performed at Invitae indicates that this missense variant is expected to disrupt GCDH protein function with a positive predictive value of 80%. For these reasons, this variant has been classified as Pathogenic.

Genomic Medicine Center of Excellence, King Faisal Specialist Hospital and Research Centre
Classification: Likely pathogenic for Glutaric aciduria, type 1. Last evaluated: 2024-03-17. Review status: criteria provided, single submitter. Criteria: ACMG Guidelines, 2015. Collection method: research. Allele origin: germline.

GeneDx
Classification: Likely pathogenic. Last evaluated: 2023-10-03. Review status: criteria provided, single submitter. Criteria: GeneDx Variant Classification Process June 2021. Collection method: clinical testing. Allele origin: germline. Affected: yes.
Comment: Not observed at significant frequency in large population cohorts (gnomAD); In silico analysis supports that this missense variant has a deleterious effect on protein structure/function; This variant is associated with the following publications: (PMID: 33686767, Canda2018[casereport], 31319225, 33157009)

Blueprint Genetics
Classification: Pathogenic for GCDH-related disorders. Last evaluated: 2023-04-28. Review status: criteria provided, single submitter. Criteria: ACMG Guidelines, 2015. Collection method: clinical testing. Allele origin: germline. Affected: yes. Observed: 5 variant alleles.

3billion
Classification: Uncertain significance for Glutaric aciduria, type 1. Last evaluated: 2022-09-01. Review status: criteria provided, single submitter. Criteria: ACMG Guidelines, 2015. Collection method: clinical testing. Allele origin: germline. Affected: yes. Observed: 1 homozygote.
Comment: The variant is observed at an extremely low frequency in the gnomAD v2.1.1 dataset (total allele frequency: 0.001%). Missense changes are a common disease-causing mechanism. In silico tool predictions suggest damaging effect of the variant on gene or gene product (REVEL: 0.96; 3Cnet: 1.00). Same nucleotide change resulting in same amino acid change has been previously reported to be associated with GCDH-related disorder (ClinVar ID: VCV000635300). However, the evidence of pathogenicity is insufficient at this time. Therefore, this variant is classified as uncertain significance according to the recommendation of ACMG/AMP guideline.

Kariminejad - Najmabadi Pathology & Genetics Center
Classification: Likely pathogenic for Abnormality of metabolism/homeostasis. Last evaluated: 2021-07-10. Review status: criteria provided, single submitter. Criteria: ACMG Guidelines, 2015. Collection method: clinical testing. Allele origin: germline. Affected: yes.

Ege University Pediatric Genetics, Ege University
Classification: Uncertain significance for Glutaricaciduria, type I. Last evaluated: 2019-05-15. Review status: criteria provided, single submitter. Criteria: ACMG Guidelines, 2015. Collection method: clinical testing. Allele origin: germline. Affected: yes.

PreventionGenetics, part of Exact Sciences
Classification: Uncertain significance for GCDH-related condition. Last evaluated: 2024-07-22. Review status: no assertion criteria provided. Collection method: clinical testing. Allele origin: germline. Not counted in ClinVar's aggregate classification.
Comment: The GCDH c.368A>G variant is predicted to result in the amino acid substitution p.Tyr123Cys. This variant was reported in the compound heterozygous state in an individual with glutaric acidaemia type1 (Table 1, Isik et al. 2019. PubMed ID: 31319225). This variant is reported in 0.0040% of alleles in individuals of European (Finnish) descent in gnomAD. At this time, the clinical significance of this variant is uncertain due to the absence of conclusive functional and genetic evidence.

Literature cited by the submitters: PubMed 31319225 (cited by 3 submitters).

NM_000159.4(GCDH):c.368A>G (p.Tyr123Cys)

Gene: GCDH (glutaryl-CoA dehydrogenase; plus strand). Cytogenetic location: 19p13.13.
Variant type: single nucleotide variant.
Coding change: c.368A>G on transcript NM_000159.4 (MANE Select); coding-DNA position 368, A replaced by G.
Protein change: p.Tyr123Cys; replaces tyrosine 123 with cysteine.
Molecular consequence: missense variant. On other transcripts: non-coding transcript variant (2).
Genome position (GRCh38, 1-based): chr19:12,893,516, A>G. VCF-style: chr19-12893516-A-G. GRCh37 (hg19) VCF-style: chr19-13004330-A-G.
Other names: c.368A>G, p.Tyr123Cys (NM_013976.5); short protein forms Y123C.
Identifiers: ClinVar variation 635300 (VCV000635300.43), dbSNP rs780976048, ClinGen allele CA9234379.
Genomic context (GRCh38, chr19:12,893,516, plus strand): 5'-CCTGCTTTCCCCTCCTACTACCACCAGGATATGGCTGTGCTGGGGTTTCGTCTGTGGCCT[A>G]TGGGCTCCTGGCCCGAGAGCTGGAGCGGGTGGACAGTGGCTACAGGTCGGCGATGAGTGT-3'
Protein context (NP_000150.1, residues 113-133): YGCAGVSSVA[Tyr123Cys]GLLARELERV